The following is an entry in ClinVar:

NM_152564.5(VPS13B):c.10921A>G (p.Ser3641Gly)

Gene: VPS13B (vacuolar protein sorting 13 homolog B; plus strand). Cytogenetic location: 8q22.2.
Variant type: single nucleotide variant.
Coding change: c.10921A>G on transcript NM_152564.5 (MANE Select); coding-DNA position 10921, A replaced by G.
Protein change: p.Ser3641Gly; replaces serine 3641 with glycine.
Molecular consequence: missense variant.
Genome position (GRCh38, 1-based): chr8:99,859,357, A>G. VCF-style: chr8-99859357-A-G. GRCh37 (hg19) VCF-style: chr8-100871585-A-G.
Other names: c.10996A>G, p.Ser3666Gly (NM_017890.5); short protein forms S3666G, S3641G.
Identifiers: ClinVar variation 4979007 (VCV004979007.1).

ClinVar aggregate classification (germline): Uncertain significance (1 of 4 stars; one submission).

Conditions:
VPS13B-related disorder. Also called: VPS13B-related condition.

gnomAD v4.1: 16 of 1,613,956 alleles (0.00099%); highest among the groups gnomAD compares: Non-Finnish European, 0.0014%; no homozygotes.

Submission:

PreventionGenetics, part of Exact Sciences
Classification: Uncertain significance for VPS13B-related condition. Last evaluated: 2024-12-10. Review status: criteria provided, single submitter. Criteria: ACMG Guidelines, 2015. Collection method: clinical testing. Allele origin: germline.
Comment: The VPS13B c.10921A>G variant is predicted to result in the amino acid substitution p.Ser3641Gly. To our knowledge, this variant has not been reported in the literature. This variant is reported in 0.0018% of alleles in individuals of European (Non-Finnish) descent in gnomAD. At this time, the clinical significance of this variant is uncertain due to the absence of conclusive functional and genetic evidence.